The following is an entry in ClinVar:

NM_002474.3(MYH11):c.1749+4C>G

Gene: MYH11 (myosin heavy chain 11; minus strand). Cytogenetic location: 16p13.11.
Variant type: single nucleotide variant.
Coding change: c.1749+4C>G on transcript NM_002474.3 (MANE Select); 4 bases into the intron after coding-DNA position 1749, C replaced by G.
Molecular consequence: intron variant.
Genome position (GRCh38, 1-based): chr16:15,756,337, G>C on the plus strand (C>G on the coding strand, the complement: MYH11 is on the minus strand). VCF-style: chr16-15756337-G-C. GRCh37 (hg19) VCF-style: chr16-15850194-G-C.
Other names: c.1749+4C>G (NM_022844.3); c.1770+4C>G (NM_001040114.2, NM_001040113.2).
Identifiers: ClinVar variation 263833 (VCV000263833.18), dbSNP rs776271431, ClinGen allele CA7922536.
Genomic context (GRCh38, chr16:15,756,337, plus strand): 5'-CTCTGCGCTGAGCAGCCACTGGGGGTCCCCTGAGACAGAGTCCCCTGGGCCCTGTGGCTG[G>C]TACCTTCCCAGCATAATGGATGATGGAGAACTCAGTCTTGTCCTTGAGCTGCTTGGGCTT-3'

ClinVar aggregate classification (germline): Uncertain significance. Review status: criteria provided, multiple submitters, no conflicts (2 of 4 stars). 7 submissions from 7 submitters: Uncertain significance (6). 1 of the submissions does not count toward it. Last evaluated 2026-01-18.

Conditions:
MYH11-related disorder. Also called: MYH11-related condition.
Aortic aneurysm, familial thoracic 4 (AAT4). Also called: AORTIC ANEURYSM/AORTIC DISSECTION AND PATENT DUCTUS ARTERIOSUS. Identifiers: MedGen C1851504, MONDO:0007568, OMIM 132900.
Visceral myopathy 2. Identifiers: MedGen C5543466, MONDO:0859157, OMIM 619350.
Megacystis-microcolon-intestinal hypoperistalsis syndrome 2. Identifiers: MedGen C5543476, MONDO:0025708, OMIM 619351.
Familial thoracic aortic aneurysm and aortic dissection (TAAD). Also called: Thoracic aortic aneurysms and dissections. Identifiers: Orphanet 91387, MedGen C4707243, MONDO:0019625.

Allele frequency attached by ClinVar (database versions not stated): ExAC 0.00001; gnomAD exomes 0.00002; gnomAD 0.00013 and 0.00015; TOPMed 0.00021.
gnomAD v4.1: 47 of 1,613,856 alleles (0.0029%); highest among the groups gnomAD compares: African/African-American, 0.057%; no homozygotes.

Submissions (7):

Labcorp Genetics (formerly Invitae), Labcorp
Classification: Uncertain significance for Aortic aneurysm, familial thoracic 4. Last evaluated: 2026-01-18. Review status: criteria provided, single submitter. Criteria: Invitae Variant Classification Sherloc (09022015). Collection method: clinical testing. Allele origin: germline.
Comment: This sequence change falls in intron 15 of the MYH11 gene. It does not directly change the encoded amino acid sequence of the MYH11 protein. It affects a nucleotide within the consensus splice site. This variant is present in population databases (rs776271431, gnomAD 0.04%). This variant has been observed in individual(s) with sudden unexpected infant death (PMID: 38895864). ClinVar contains an entry for this variant (Variation ID: 263833). Variants that disrupt the consensus splice site are a relatively common cause of aberrant splicing (PMID: 17576681, 9536098). Algorithms developed to predict the effect of sequence changes on RNA splicing suggest that this variant is not likely to affect RNA splicing. In summary, the available evidence is currently insufficient to determine the role of this variant in disease. Therefore, it has been classified as a Variant of Uncertain Significance.

Ambry Genetics
Classification: Uncertain significance for Familial thoracic aortic aneurysm and aortic dissection. Last evaluated: 2025-06-23. Review status: criteria provided, single submitter. Criteria: Ambry Variant Classification Scheme 2023. Collection method: clinical testing. Allele origin: germline.
Comment: The c.1749+4C>G intronic variant results from a C to G substitution 4 nucleotides after coding exon 13 in the MYH11 gene. This nucleotide position is not well conserved in available vertebrate species. In silico splice site analysis predicts that this alteration will not have any significant effect on splicing. Based on the available evidence, the clinical significance of this variant remains unclear.

All of Us Research Program, National Institutes of Health
Classification: Uncertain significance for Familial thoracic aortic aneurysm and aortic dissection. Last evaluated: 2024-08-06. Review status: criteria provided, single submitter. Criteria: ACMG Guidelines, 2015. Collection method: clinical testing. Allele origin: germline. Inheritance: Autosomal dominant inheritance. Observed: 12 variant alleles, 12 heterozygotes.
Comment: This variant causes a C to G nucleotide substitution at the +4 position of intron 15 of the MYH11 gene. Splice site prediction tools and conservation analysis are inconclusive regarding the impact of this variant on RNA splicing. To our knowledge, functional studies have not been reported for this variant. This variant has not been reported in individuals affected with MYH11-related disorders in the literature. This variant has been identified in 10/282468 chromosomes in the general population by the Genome Aggregation Database (gnomAD). The available evidence is insufficient to determine the role of this variant in disease conclusively. Therefore, this variant is classified as a Variant of Uncertain Significance.

This study involves interpretation of variants in research participants for the purpose of population health screening. Participant phenotype was not available at the time of variant classification. Additional details can be found in publication PMID: 35346344, PMCID: PMC8962531

Color Diagnostics, LLC DBA Color Health
Classification: Uncertain significance for Familial thoracic aortic aneurysm and aortic dissection. Last evaluated: 2024-05-02. Review status: criteria provided, single submitter. Criteria: ACMG Guidelines, 2015. Collection method: clinical testing. Allele origin: germline.
Comment: This variant causes a C to G nucleotide substitution at the +4 position of intron 15 of the MYH11 gene. To our knowledge, functional studies have not been reported for this variant. This variant has not been reported in individuals affected with MYH11-related disorders in the literature. This variant has been identified in 10/282468 chromosomes in the general population by the Genome Aggregation Database (gnomAD). The available evidence is insufficient to determine the role of this variant in disease conclusively. Therefore, this variant is classified as a Variant of Uncertain Significance.

Women's Health and Genetics/Laboratory Corporation of America, LabCorp
Classification: Uncertain significance. Last evaluated: 2023-02-10. Review status: criteria provided, single submitter. Criteria: LabCorp Variant Classification Summary - May 2015. Collection method: clinical testing. Allele origin: germline.

Fulgent Genetics
Classification: Uncertain significance for Aortic aneurysm, familial thoracic 4; Visceral myopathy 2; Megacystis-microcolon-intestinal hypoperistalsis syndrome 2. Last evaluated: 2021-09-15. Review status: criteria provided, single submitter. Criteria: ACMG Guidelines, 2015. Collection method: clinical testing. Allele origin: unknown.

PreventionGenetics, part of Exact Sciences
Classification: Likely benign for MYH11-related condition. Last evaluated: 2022-03-09. Review status: no assertion criteria provided. Collection method: clinical testing. Allele origin: germline. Not counted in ClinVar's aggregate classification.
Comment: This variant is classified as likely benign based on ACMG/AMP sequence variant interpretation guidelines (Richards et al. 2015 PMID: 25741868, with internal and published modifications).

Literature cited by the submitters: PubMed 38895864 (cited by Labcorp Genetics (formerly Invitae), Labcorp); PubMed 17576681 (cited by Labcorp Genetics (formerly Invitae), Labcorp); PubMed 9536098 (cited by Labcorp Genetics (formerly Invitae), Labcorp).